The following is an entry in ClinVar:

ClinVar aggregate classification (germline): Benign/Likely benign. Review status: criteria provided, multiple submitters, no conflicts (2 of 4 stars). 2 submissions from 2 submitters: Benign (1); Likely benign (1). Last evaluated 2018-01-13.

Conditions:
Seizures, benign familial neonatal, 2. Also called: CONVULSIONS, BENIGN FAMILIAL NEONATAL, 2; KCNQ3-Related Self-Limited Familial Neonatal Epilepsy (SLFNE); Benign Neonatal Epilepsy 2; KCNQ3-Related Benign Familial Neonatal Epilepsy; Seizures, benign neonatal, 2. Identifiers: Orphanet 1949, MedGen C1852581, MONDO:0007366, OMIM 121201.

Allele frequency attached by ClinVar (database versions not stated): 1000 Genomes Project 0.01757; gnomAD 0.02475 and 0.02377; 1000 Genomes Project 30x 0.01718; TOPMed 0.01917.

Submissions (2):

Illumina Laboratory Services, Illumina
Classification: Benign for Seizures, benign familial neonatal, 2. Last evaluated: 2018-01-13. Review status: criteria provided, single submitter. Criteria: ICSL Variant Classification Criteria 13 December 2019. Collection method: clinical testing. Allele origin: germline.
Comment: This variant was observed in the ICSL laboratory as part of a predisposition screen in an ostensibly healthy population. It had not been previously curated by ICSL or reported in the Human Gene Mutation Database (HGMD: prior to June 1st, 2018), and was therefore a candidate for classification through an automated scoring system. Utilizing variant allele frequency, disease prevalence and penetrance estimates, and inheritance mode, an automated score was calculated to assess if this variant is too frequent to cause the disease. Based on the score and internal cut-off values, a variant classified as benign is not then subjected to further curation. The score for this variant resulted in a classification of benign for this disease.

Breakthrough Genomics
Classification: Likely benign. Review status: criteria provided, single submitter. Criteria: ACMG Guidelines, 2015. Collection method: not provided. Allele origin: germline. Inheritance: Autosomal dominant inheritance. Affected: yes.

NM_004519.4(KCNQ3):c.*1697C>G

Gene: KCNQ3 (potassium voltage-gated channel subfamily Q member 3; minus strand). Cytogenetic location: 8q24.22.
Variant type: single nucleotide variant.
Coding change: c.*1697C>G on transcript NM_004519.4 (MANE Select); 1697 bases downstream of the stop codon, C replaced by G.
Molecular consequence: 3 prime UTR variant.
Genome position (GRCh38, 1-based): chr8:132,127,565, G>C on the plus strand (C>G on the coding strand, the complement: KCNQ3 is on the minus strand). VCF-style: chr8-132127565-G-C. GRCh37 (hg19) VCF-style: chr8-133139812-G-C.
Other names: c.*1697C>G (NM_001204824.2).
Identifiers: ClinVar variation 361847 (VCV000361847.7), dbSNP rs71526238, ClinGen allele CA10627064.